The following is an entry in ClinVar:

NM_001555.5(IGSF1):c.1579A>G (p.Met527Val)

Gene: IGSF1 (immunoglobulin superfamily member 1; minus strand). Cytogenetic location: Xq26.1.
Variant type: single nucleotide variant.
Coding change: c.1579A>G on transcript NM_001555.5 (MANE Select); coding-DNA position 1579, A replaced by G.
Protein change: p.Met527Val; replaces methionine 527 with valine.
Molecular consequence: missense variant.
Genome position (GRCh38, 1-based): chrX:131,281,285, T>C on the plus strand (A>G on the coding strand, the complement: IGSF1 is on the minus strand). VCF-style: chrX-131281285-T-C. GRCh37 (hg19) VCF-style: chrX-130415259-T-C.
Other names: c.1579A>G, p.Met527Val (NM_001170961.2); c.1552A>G, p.Met518Val (NM_001170962.2); short protein forms M518V, M527V.
Identifiers: ClinVar variation 2661443 (VCV002661443.24), dbSNP rs375801342, ClinGen allele CA10517979.
Genomic context (GRCh38, chrX:131,281,285, plus strand): 5'-TGAGTCTCCGACACTTCCACCTTATCCACAGCACTACCAACAGCAAGGCAACAAGCTGCA[T>C]GATTAGAGACAACCTGATAGCTTCATTCAGAACGTAATTCCAGGTGAGATAGCCTGTGGC-3'
Protein context (NP_001546.2, residues 517-537): LNEAIRLSLI[Met527Val]QLVALLLVVL

ClinVar aggregate classification (germline): Likely benign (1 of 4 stars; one submission).

Allele frequency attached by ClinVar (database versions not stated): TOPMed below 0.00001; ExAC 0.00002; gnomAD exomes 0.00002; ESP Exome Variant Server 0.00009.

Submission:

CeGaT Center for Human Genetics Tuebingen
Classification: Likely benign. Last evaluated: 2022-03-01. Review status: criteria provided, single submitter. Criteria: CeGaT Center For Human Genetics Tuebingen Variant Classification Criteria Version 2. Collection method: clinical testing. Allele origin: germline. Affected: yes. Observed: 1 variant allele.
Comment: IGSF1: BP4